The following is an entry in ClinVar:

ClinVar aggregate classification (germline): Benign. Review status: criteria provided, multiple submitters, no conflicts (2 of 4 stars). 5 submissions from 5 submitters: Benign (5). Last evaluated 2026-02-03.

Conditions:
Combined oxidative phosphorylation defect type 17. Also called: Combined oxidative phosphorylation deficiency 17. Identifiers: Orphanet 369913, MedGen C3809526, MONDO:0014190, OMIM 615440.
Prostate cancer, hereditary, 2 (HPC2). Identifiers: Orphanet 1331, MedGen C3539120, MONDO:0013872, OMIM 614731.

Allele frequency attached by ClinVar (database versions not stated): 1000 Genomes Project 0.00719; gnomAD 0.00771; 1000 Genomes Project 30x 0.00781; TOPMed 0.00905; ESP Exome Variant Server 0.01000.

Submissions (5):

Labcorp Genetics (formerly Invitae), Labcorp
Classification: Benign for Combined oxidative phosphorylation defect type 17. Last evaluated: 2026-02-03. Review status: criteria provided, single submitter. Criteria: Invitae Variant Classification Sherloc (09022015). Collection method: clinical testing. Allele origin: germline.

KCCC/NGS Laboratory, Kuwait Cancer Control Center
Classification: Benign for Prostate cancer, hereditary, 2. Last evaluated: 2023-07-07. Review status: criteria provided, single submitter. Criteria: ACMG Guidelines, 2015. Collection method: clinical testing. Allele origin: germline. Affected: yes.

Mayo Clinic Laboratories, Mayo Clinic
Classification: Benign. Last evaluated: 2023-01-25. Review status: criteria provided, single submitter. Criteria: ACMG Guidelines, 2015. Collection method: clinical testing. Allele origin: germline. Observed: 23 variant alleles.
Comment: BS1, BS2, BP4, BP7

GeneDx
Classification: Benign. Last evaluated: 2016-03-25. Review status: criteria provided, single submitter. Criteria: GeneDx Variant Classification (06012015). Collection method: clinical testing. Allele origin: germline. Affected: yes.
Comment: This variant is considered likely benign or benign based on one or more of the following criteria: it is a conservative change, it occurs at a poorly conserved position in the protein, it is predicted to be benign by multiple in silico algorithms, and/or has population frequency not consistent with disease.

Breakthrough Genomics
Classification: Benign. Review status: criteria provided, single submitter. Criteria: ACMG Guidelines, 2015. Collection method: not provided. Allele origin: germline. Inheritance: Autosomal recessive inheritance. Affected: yes.

NM_018127.7(ELAC2):c.1479G>C (p.Pro493=)

Gene: ELAC2 (elaC ribonuclease Z 2; minus strand). Cytogenetic location: 17p12.
Variant type: single nucleotide variant.
Coding change: c.1479G>C on transcript NM_018127.7 (MANE Select); coding-DNA position 1479, G replaced by C.
Protein change: p.Pro493=; no amino-acid change (proline 493 retained).
Molecular consequence: synonymous variant.
Genome position (GRCh38, 1-based): chr17:12,998,453, C>G on the plus strand (G>C on the coding strand, the complement: ELAC2 is on the minus strand). VCF-style: chr17-12998453-C-G. GRCh37 (hg19) VCF-style: chr17-12901770-C-G.
Other names: p.Pro493=; c.1359G>C, p.Pro453= (NM_001165962.2); c.1476G>C, p.Pro492= (NM_173717.2); c.1359G>C (NM_001165962.1).
Identifiers: ClinVar variation 241270 (VCV000241270.13), dbSNP rs140335642, ClinGen allele CA8401188.
Genomic context (GRCh38, chr17:12,998,453, plus strand): 5'-TCCTGGGAAAGCAGCATACCTTATGTTGACAAGTGTGGCACTGACATTTCGAATCTTCAT[C>G]GGGATGGCAGACCCTGTTCCAAGGAAGATGATTTCTGGGTACTGACTTCTTTTCTCTGTG-3'
Protein context (NP_060597.4, residues 483-503): IIFLGTGSAI[Pro493=]MKIRNVSATL